The following is an entry in ClinVar:

ClinVar aggregate classification (germline): Conflicting classifications of pathogenicity. Review status: criteria provided, conflicting classifications (1 of 4 stars). 3 submissions from 3 submitters: Likely pathogenic (1); Uncertain significance (2). Last evaluated 2024-02-02.

Conditions:
Inborn genetic diseases. Identifiers: MedGen C0950123, MeSH D030342.
ABHD12-related disorder. Also called: ABHD12-related condition.

Allele frequency attached by ClinVar (database versions not stated): gnomAD exomes below 0.00001.
gnomAD v4.1: 5 of 1,613,894 alleles (0.00031%); highest among the groups gnomAD compares: Non-Finnish European, 0.00042%; no homozygotes.

Submissions (3):

Blueprint Genetics
Classification: Likely pathogenic for ABHD12-related disorders. Last evaluated: 2024-02-02. Review status: criteria provided, single submitter. Criteria: ACMG Guidelines, 2015. Collection method: clinical testing. Allele origin: germline. Affected: yes. Observed: 5 variant alleles.

Ambry Genetics
Classification: Uncertain significance for Inborn genetic diseases. Last evaluated: 2023-04-13. Review status: criteria provided, single submitter. Criteria: Ambry Variant Classification Scheme 2023. Collection method: clinical testing. Allele origin: germline.

Labcorp Genetics (formerly Invitae), Labcorp
Classification: Uncertain significance. Last evaluated: 2022-08-16. Review status: criteria provided, single submitter. Criteria: Invitae Variant Classification Sherloc (09022015). Collection method: clinical testing. Allele origin: germline.
Comment: In summary, the available evidence is currently insufficient to determine the role of this variant in disease. Therefore, it has been classified as a Variant of Uncertain Significance. Algorithms developed to predict the effect of missense changes on protein structure and function (SIFT, PolyPhen-2, Align-GVGD) all suggest that this variant is likely to be disruptive. ClinVar contains an entry for this variant (Variation ID: 1433176). This variant has not been reported in the literature in individuals affected with ABHD12-related conditions. This variant is not present in population databases (gnomAD no frequency). This sequence change replaces phenylalanine, which is neutral and non-polar, with cysteine, which is neutral and slightly polar, at codon 364 of the ABHD12 protein (p.Phe364Cys).

NM_001042472.3(ABHD12):c.1091T>G (p.Phe364Cys)

Gene: ABHD12 (abhydrolase domain containing 12, lysophospholipase; minus strand). Cytogenetic location: 20p11.21.
Variant type: single nucleotide variant.
Coding change: c.1091T>G on transcript NM_001042472.3 (MANE Select); coding-DNA position 1091, T replaced by G.
Protein change: p.Phe364Cys; replaces phenylalanine 364 with cysteine.
Molecular consequence: missense variant.
Genome position (GRCh38, 1-based): chr20:25,302,285, A>C on the plus strand (T>G on the coding strand, the complement: ABHD12 is on the minus strand). VCF-style: chr20-25302285-A-C. GRCh37 (hg19) VCF-style: chr20-25282921-A-C.
Other names: c.1091T>G, p.Phe364Cys (NM_015600.5); c.1091T>G (NM_001042472.2); short protein forms F364C.
Identifiers: ClinVar variation 1433176 (VCV001433176.8), dbSNP rs1568709456, ClinGen allele CA408453953.
Genomic context (GRCh38, chr20:25,302,285, plus strand): 5'-ATCCGTGGCAGCTCAGGGCTCTTGTAAATGTATTTGTGCCTGTAGCCAAGGTCTGAATGA[A>C]AGGGCACAAACTGAACTTTGAAATCTCGGAAGCTTCGAGCTGGTGCGGCGATGCTATAGA-3'
Protein context (NP_001035937.1, residues 354-374): FRDFKVQFVP[Phe364Cys]HSDLGYRHKY